The following is an entry in ClinVar:

NM_001437.3(ESR2):c.1176C>G (p.Leu392=)

Gene: ESR2 (estrogen receptor 2; minus strand). Cytogenetic location: 14q23.2.
Variant type: single nucleotide variant.
Coding change: c.1176C>G on transcript NM_001437.3 (MANE Select); coding-DNA position 1176, C replaced by G.
Protein change: p.Leu392=; no amino-acid change (leucine 392 retained).
Molecular consequence: synonymous variant. On other transcripts: non-coding transcript variant (2), intron variant (1).
Genome position (GRCh38, 1-based): chr14:64,249,595, G>C on the plus strand (C>G on the coding strand, the complement: ESR2 is on the minus strand). VCF-style: chr14-64249595-G-C. GRCh37 (hg19) VCF-style: chr14-64716313-G-C.
Other names: c.1176C>G, p.Leu392= (NM_001040275.1, NM_001214902.1, NM_001271876.1 and 2 more transcripts); c.952+10854C>G (NM_001271877.1).
Identifiers: ClinVar variation 713136 (VCV000713136.13), dbSNP rs1256054, ClinGen allele CA7225291.
Genomic context (GRCh38, chr14:64,249,595, plus strand): 5'-TGATTACTTACTGGAATTGAGCAGGATCATGGCCTTGACACAGAGATATTCTTTGTGTTG[G>C]AGTTTTAACTCTCGAAACCTTGAAGTAGTTGCCAGGAGCATGTCAAAGATTTCCAGAATT-3'
Protein context (NP_001428.1, residues 382-402): ATTSRFRELK[Leu392=]QHKEYLCVKA

ClinVar aggregate classification (germline): Benign. Review status: criteria provided, multiple submitters, no conflicts (2 of 4 stars). 3 submissions from 3 submitters: Benign (2). 1 of the submissions does not count toward it. Last evaluated 2025-12-01.

Conditions:
ESR2-related disorder. Also called: ESR2-related condition.

Allele frequency attached by ClinVar (database versions not stated): gnomAD 0.00097 and 0.00151; gnomAD exomes 0.00119 and 0.00280; TOPMed 0.00120; ExAC 0.00245; 1000 Genomes Project 30x 0.00812; 1000 Genomes Project 0.00899.
gnomAD v4.1: 1,958 of 1,613,912 alleles (0.12%); highest among the groups gnomAD compares: East Asian, 4.1%; 42 homozygotes.

Submissions (3):

Labcorp Genetics (formerly Invitae), Labcorp
Classification: Benign. Last evaluated: 2025-12-01. Review status: criteria provided, single submitter. Criteria: Invitae Variant Classification Sherloc (09022015). Collection method: clinical testing. Allele origin: germline.

Breakthrough Genomics
Classification: Benign. Review status: criteria provided, single submitter. Criteria: ACMG Guidelines, 2015. Collection method: not provided. Allele origin: germline. Inheritance: Autosomal dominant inheritance. Affected: yes.

PreventionGenetics, part of Exact Sciences
Classification: Benign for ESR2-related condition. Last evaluated: 2019-10-28. Review status: no assertion criteria provided. Collection method: clinical testing. Allele origin: germline. Not counted in ClinVar's aggregate classification.
Comment: This variant is classified as benign based on ACMG/AMP sequence variant interpretation guidelines (Richards et al. 2015 PMID: 25741868, with internal and published modifications).